The following is an entry in ClinVar:

ClinVar aggregate classification (germline): Uncertain significance (1 of 4 stars; one submission).

Conditions:
Intellectual developmental disorder, X-linked 108. Also called: MENTAL RETARDATION, X-LINKED 108. Identifiers: MedGen C5193009, MONDO:0026723, OMIM 301024.

Submission:

Dasa
Classification: Uncertain significance for Intellectual developmental disorder, X-linked 108. Last evaluated: 2025-04-14. Review status: criteria provided, single submitter. Criteria: DASA Assertion Criteria. Collection method: clinical testing. Allele origin: germline.
Comment: NM_001257291.2(SLC9A7):c.385T>C (p.Ser129Pro) is a missense variant that results in the substitution of serine with proline. This variant is absent from population databases. Computational prediction algorithms are consistent with a benign effect. The currently available literature and clinical evidence are not sufficient to establish a definitive association between this variant and the reported condition. Therefore, this variant is classified as a variant of uncertain significance.

NM_001257291.2(SLC9A7):c.385T>C (p.Ser129Pro)

Gene: SLC9A7 (solute carrier family 9 member A7; minus strand). Cytogenetic location: Xp11.3.
Variant type: single nucleotide variant.
Coding change: c.385T>C on transcript NM_001257291.2 (MANE Select); coding-DNA position 385, T replaced by C.
Protein change: p.Ser129Pro; replaces serine 129 with proline.
Molecular consequence: missense variant.
Genome position (GRCh38, 1-based): chrX:46,682,476, A>G on the plus strand (T>C on the coding strand, the complement: SLC9A7 is on the minus strand). VCF-style: chrX-46682476-A-G. GRCh37 (hg19) VCF-style: chrX-46541911-A-G.
Other names: c.385T>C, p.Ser129Pro (NM_032591.3); short protein forms S129P.
Identifiers: ClinVar variation 4882432 (VCV004882432.2).